The following is an entry in ClinVar:

ClinVar aggregate classification (germline): Benign/Likely benign. Review status: criteria provided, multiple submitters, no conflicts (2 of 4 stars). 3 submissions from 3 submitters: Benign (1); Likely benign (1). 1 of the submissions does not count toward it. Last evaluated 2025-10-27.

Conditions:
CLIC5-related disorder. Also called: CLIC5-related condition.

gnomAD v4.1: 105 of 1,552,020 alleles (0.0068%); highest among the groups gnomAD compares: Admixed American, 0.2%; no homozygotes.

Submissions (3):

Labcorp Genetics (formerly Invitae), Labcorp
Classification: Benign. Last evaluated: 2025-10-27. Review status: criteria provided, single submitter. Criteria: Invitae Variant Classification Sherloc (09022015). Collection method: clinical testing. Allele origin: germline.

GeneDx
Classification: Likely benign. Last evaluated: 2021-05-06. Review status: criteria provided, single submitter. Criteria: GeneDx Variant Classification Process June 2021. Collection method: clinical testing. Allele origin: germline. Affected: yes.

PreventionGenetics, part of Exact Sciences
Classification: Likely benign for CLIC5-related condition. Last evaluated: 2023-11-29. Review status: no assertion criteria provided. Collection method: clinical testing. Allele origin: germline. Not counted in ClinVar's aggregate classification.
Comment: This variant is classified as likely benign based on ACMG/AMP sequence variant interpretation guidelines (Richards et al. 2015 PMID: 25741868, with internal and published modifications).

NM_001114086.2(CLIC5):c.363A>G (p.Ala121=)

Gene: CLIC5 (CLIC family member 5; minus strand). Cytogenetic location: 6p21.1.
Variant type: single nucleotide variant.
Coding change: c.363A>G on transcript NM_001114086.2; coding-DNA position 363, A replaced by G.
Protein change: p.Ala121=; no amino-acid change (alanine 121 retained).
Molecular consequence: synonymous variant. On other transcripts: intron variant (1).
Genome position (GRCh38, 1-based): chr6:46,079,880, T>C on the plus strand (A>G on the coding strand, the complement: CLIC5 is on the minus strand). VCF-style: chr6-46079880-T-C. GRCh37 (hg19) VCF-style: chr6-46047617-T-C.
Other names: c.-55+49624A>G (NM_001370649.1); c.363A>G, p.Ala121= (NM_001370650.1).
Identifiers: ClinVar variation 1320650 (VCV001320650.12), dbSNP rs1010510364, ClinGen allele CA138549324.